The following is an entry in ClinVar:

ClinVar aggregate classification (germline): Pathogenic. Review status: criteria provided, multiple submitters, no conflicts (2 of 4 stars). 2 submissions from 2 submitters: Pathogenic (2). Last evaluated 2023-03-21.

Conditions:
Hereditary breast ovarian cancer syndrome. Also called: Hereditary breast and ovarian cancer syndrome (HBOC); BRCA1- and BRCA2-Associated Hereditary Breast and Ovarian Cancer; Hereditary breast and ovarian cancer syndrome; Hereditary breast and ovarian cancer; Hereditary breast and/or ovarian cancer syndrome; Breast and ovarian cancer. Identifiers: Orphanet 145, MedGen C0677776, MeSH D061325, MONDO:0003582. Disease mechanism: loss of function.
Breast-ovarian cancer, familial, susceptibility to, 2 (BROVCA2). Also called: BRCA2 Hereditary Breast and Ovarian Cancer. Identifiers: Orphanet 145, MedGen C2675520, MONDO:0012933, OMIM 612555. Disease mechanism: loss of function.

Submissions (2):

Myriad Genetics, Inc.
Classification: Pathogenic for Breast-ovarian cancer, familial, susceptibility to, 2. Last evaluated: 2023-03-21. Review status: criteria provided, single submitter. Criteria: Myriad Autosomal Dominant, Autosomal Recessive and X-Linked Classification Criteria (2023). Collection method: clinical testing. Allele origin: unknown.
Comment: This variant is considered pathogenic. This variant creates a frameshift predicted to result in premature protein truncation.

Labcorp Genetics (formerly Invitae), Labcorp
Classification: Pathogenic for Hereditary breast ovarian cancer syndrome. Last evaluated: 2023-02-03. Review status: criteria provided, single submitter. Criteria: Invitae Variant Classification Sherloc (09022015). Collection method: clinical testing. Allele origin: germline.
Comment: This variant is also known as 8400delG, 8171delG. For these reasons, this variant has been classified as Pathogenic. This premature translational stop signal has been observed in individual(s) with BRCA2-related conditions (PMID: 25480878, 31825140). This sequence change creates a premature translational stop signal (p.Trp2725Glyfs*8) in the BRCA2 gene. It is expected to result in an absent or disrupted protein product. Loss-of-function variants in BRCA2 are known to be pathogenic (PMID: 20104584). This variant is not present in population databases (gnomAD no frequency).

Literature cited by the submitters: PubMed 25480878 (cited by Labcorp Genetics (formerly Invitae), Labcorp); PubMed 31825140 (cited by Labcorp Genetics (formerly Invitae), Labcorp); PubMed 20104584 (cited by Labcorp Genetics (formerly Invitae), Labcorp).

NM_000059.4(BRCA2):c.8172del (p.Trp2725fs)

Gene: BRCA2 (BRCA2 DNA repair associated; plus strand). Cytogenetic location: 13q13.1.
Variant type: Deletion.
Coding change: c.8172del on transcript NM_000059.4 (MANE Select); coding-DNA position 8172, one base deleted (G; older notation c.8172delG).
Protein change: p.Trp2725fs; shifts the reading frame from tryptophan 2725.
Molecular consequence: frameshift variant.
Genome position (GRCh38, 1-based): chr13:32,363,374, G deleted; the last of 3 consecutive G bases (chr13:32,363,372-32,363,374); deleting any one gives the same sequence. VCF-style (leftmost placement, unchanged base first): chr13-32363371-TG-T. GRCh37 (hg19) VCF-style: chr13-32937508-TG-T.
Other names: short protein forms W2725fs.
Identifiers: ClinVar variation 2573242 (VCV002573242.4), dbSNP rs1566245596, ClinGen allele CA919242797.
Genomic context (GRCh38, chr13:32,363,371, plus strand): 5'-TTCTAGCAATAAAACTAGTAGTGCAGATACCCAAAAAGTGGCCATTATTGAACTTACAGA[TG>T]GGTGGTATGCTGTTAAGGCCCAGTTAGATCCTCCCCTCTTAGCTGTCTTAAAGAATGGCA-3'